The following is an entry in ClinVar:

NM_014795.4(ZEB2):c.883C>T (p.His295Tyr)

Gene: ZEB2 (zinc finger E-box binding homeobox 2; minus strand). Cytogenetic location: 2q22.3.
Variant type: single nucleotide variant.
Coding change: c.883C>T on transcript NM_014795.4 (MANE Select); coding-DNA position 883, C replaced by T.
Protein change: p.His295Tyr; replaces histidine 295 with tyrosine.
Molecular consequence: missense variant.
Genome position (GRCh38, 1-based): chr2:144,401,232, G>A on the plus strand (C>T on the coding strand, the complement: ZEB2 is on the minus strand). VCF-style: chr2-144401232-G-A. GRCh37 (hg19) VCF-style: chr2-145158799-G-A.
Other names: c.811C>T, p.His271Tyr (NM_001171653.2); short protein forms H271Y, H295Y.
Identifiers: ClinVar variation 5037684 (VCV005037684.1).

ClinVar aggregate classification (germline): Likely pathogenic (1 of 4 stars; one submission).

Submission:

GeneDx
Classification: Likely pathogenic. Last evaluated: 2026-04-17. Review status: criteria provided, single submitter. Criteria: GeneDx Variant Classification Process June 2021. Collection method: clinical testing. Allele origin: germline.
Comment: Not observed at significant frequency in large population cohorts (gnomAD); In silico analysis supports that this missense variant has a deleterious effect on protein structure/function; Has not been previously published as pathogenic or benign to our knowledge; This variant is associated with the following publications: (PMID: 16053902)